The following is an entry in ClinVar:

NM_001040142.2(SCN2A):c.4255-3C>T

Gene: SCN2A (sodium voltage-gated channel alpha subunit 2; plus strand). Cytogenetic location: 2q24.3.
Variant type: single nucleotide variant.
Coding change: c.4255-3C>T on transcript NM_001040142.2 (MANE Select); 3 bases into the intron before coding-DNA position 4255, C replaced by T.
Molecular consequence: intron variant.
Genome position (GRCh38, 1-based): chr2:165,377,594, C>T. VCF-style: chr2-165377594-C-T. GRCh37 (hg19) VCF-style: chr2-166234104-C-T.
Other names: c.4255-3C>T (NM_001371246.1, NM_001371247.1, NM_021007.3 and 1 more transcripts).
Identifiers: ClinVar variation 533505 (VCV000533505.6), dbSNP rs1553461654, ClinGen allele CA658795907.
Genomic context (GRCh38, chr2:165,377,594, plus strand): 5'-TTCAATTTATTTTCTAAAATTATAATTTTGGGAAAAAAGAAAATGATATGACTTTTCTTA[C>T]AGGCCACGTTTAAGGGATGGATGGATATTATGTATGCAGCTGTTGATTCACGAAATGTAA-3'

ClinVar aggregate classification (germline): Uncertain significance. Review status: criteria provided, multiple submitters, no conflicts (2 of 4 stars). 2 submissions from 2 submitters: Uncertain significance (2). Last evaluated 2022-07-25.

Conditions:
Developmental and epileptic encephalopathy, 11 (DEE11). Also called: Early infantile epileptic encephalopathy 11. Identifiers: Orphanet 1934, MedGen C3150987, MONDO:0013388, OMIM 613721.
Seizures, benign familial infantile, 3 (BFIS3). Also called: CONVULSIONS, BENIGN FAMILIAL INFANTILE, 3; Familial neonatal seizures. Identifiers: Orphanet 140927, Orphanet 306, MedGen C1843140, MONDO:0011904, OMIM 607745.

Allele frequency attached by ClinVar (database versions not stated): gnomAD exomes below 0.00001.
gnomAD v4.1: 1 of 1,603,314 alleles (0.000062%); highest among the groups gnomAD compares: East Asian, 0.0022%; no homozygotes.

Submissions (2):

Baylor Genetics
Classification: Uncertain significance for Developmental and epileptic encephalopathy, 11. Last evaluated: 2022-07-25. Review status: criteria provided, single submitter. Criteria: ACMG Guidelines, 2015. Collection method: clinical testing. Allele origin: unknown.

Labcorp Genetics (formerly Invitae), Labcorp
Classification: Uncertain significance for Seizures, benign familial infantile, 3; Developmental and epileptic encephalopathy, 11. Last evaluated: 2021-08-31. Review status: criteria provided, single submitter. Criteria: Invitae Variant Classification Sherloc (09022015). Collection method: clinical testing. Allele origin: germline.
Comment: This sequence change falls in intron 22 of the SCN2A gene. It does not directly change the encoded amino acid sequence of the SCN2A protein. It affects a nucleotide within the consensus splice site of the intron. This variant is not present in population databases (ExAC no frequency). This variant has not been reported in the literature in individuals affected with SCN2A-related conditions. ClinVar contains an entry for this variant (Variation ID: 533505). Variants that disrupt the consensus splice site are a relatively common cause of aberrant splicing (PMID: 17576681, 9536098). Algorithms developed to predict the effect of sequence changes on RNA splicing suggest that this variant is not likely to affect RNA splicing. In summary, the available evidence is currently insufficient to determine the role of this variant in disease. Therefore, it has been classified as a Variant of Uncertain Significance.

Literature cited by the submitters: PubMed 17576681 (cited by Labcorp Genetics (formerly Invitae), Labcorp); PubMed 9536098 (cited by Labcorp Genetics (formerly Invitae), Labcorp).